The following is an entry in ClinVar:

ClinVar aggregate classification (germline): Benign. Review status: criteria provided, multiple submitters, no conflicts (2 of 4 stars). 5 submissions from 5 submitters: Benign (3). 2 of the submissions do not count toward it. Last evaluated 2026-01-28.

Conditions:
Knobloch syndrome (KNO). Also called: RETINAL DETACHMENT AND OCCIPITAL ENCEPHALOCELE; Myopia retinal detachment encephalocele. Identifiers: Orphanet 1571, MedGen C1849409, MONDO:0800166.

Allele frequency attached by ClinVar (database versions not stated): gnomAD exomes 0.00074 and 0.00207; ExAC 0.00262; ESP Exome Variant Server 0.00711; gnomAD 0.00737 and 0.00795; TOPMed 0.00830; 1000 Genomes Project 30x 0.00843; 1000 Genomes Project 0.00859.
gnomAD v4.1: 2,258 of 1,613,284 alleles (0.14%); highest among the groups gnomAD compares: African/African-American, 2.6%; 34 homozygotes.

Submissions (5):

Labcorp Genetics (formerly Invitae), Labcorp
Classification: Benign. Last evaluated: 2026-01-28. Review status: criteria provided, single submitter. Criteria: Invitae Variant Classification Sherloc (09022015). Collection method: clinical testing. Allele origin: germline.

Illumina Laboratory Services, Illumina
Classification: Benign for Knobloch syndrome 1. Last evaluated: 2018-01-13. Review status: criteria provided, single submitter. Criteria: ICSL Variant Classification Criteria 13 December 2019. Collection method: clinical testing. Allele origin: germline.
Comment: This variant was observed in the ICSL laboratory as part of a predisposition screen in an ostensibly healthy population. It had not been previously curated by ICSL or reported in the Human Gene Mutation Database (HGMD: prior to June 1st, 2018), and was therefore a candidate for classification through an automated scoring system. Utilizing variant allele frequency, disease prevalence and penetrance estimates, and inheritance mode, an automated score was calculated to assess if this variant is too frequent to cause the disease. Based on the score and internal cut-off values, a variant classified as benign is not then subjected to further curation. The score for this variant resulted in a classification of benign for this disease.

Breakthrough Genomics
Classification: Benign. Review status: criteria provided, single submitter. Criteria: ACMG Guidelines, 2015. Collection method: not provided. Allele origin: germline. Inheritance: Autosomal recessive inheritance. Affected: yes.

Clinical Genetics, Academic Medical Center
Classification: Likely benign. Review status: no assertion criteria provided. Collection method: clinical testing. Allele origin: germline. Affected: yes. Study: VKGL Data-share Consensus. Not counted in ClinVar's aggregate classification.

Laboratory of Diagnostic Genome Analysis, Leiden University Medical Center (LUMC)
Classification: Likely benign. Review status: no assertion criteria provided. Collection method: clinical testing. Allele origin: germline. Affected: yes. Study: VKGL Data-share Consensus. Not counted in ClinVar's aggregate classification.

NM_001379500.1(COL18A1):c.2173G>A (p.Val725Met)

Gene: COL18A1 (collagen type XVIII alpha 1 chain; plus strand). Cytogenetic location: 21q22.3.
Variant type: single nucleotide variant.
Coding change: c.2173G>A on transcript NM_001379500.1 (MANE Select); coding-DNA position 2173, G replaced by A.
Protein change: p.Val725Met; replaces valine 725 with methionine.
Molecular consequence: missense variant.
Genome position (GRCh38, 1-based): chr21:45,492,550, G>A. VCF-style: chr21-45492550-G-A. GRCh37 (hg19) VCF-style: chr21-46912464-G-A.
Other names: NM_130445.2:c.2173G>A; c.2713G>A, p.Val905Met (NM_030582.4); c.3418G>A, p.Val1140Met (NM_130444.3); short protein forms V905M, V1140M.
Identifiers: ClinVar variation 340238 (VCV000340238.17), dbSNP rs116111018, ClinGen allele CA10066870.